The following is an entry in ClinVar:

NM_001009944.3(PKD1):c.6535G>A (p.Val2179Ile)

Gene: PKD1 (polycystin 1, transient receptor potential channel interacting; minus strand). Cytogenetic location: 16p13.3.
Variant type: single nucleotide variant.
Coding change: c.6535G>A on transcript NM_001009944.3 (MANE Select); coding-DNA position 6535, G replaced by A.
Protein change: p.Val2179Ile; replaces valine 2179 with isoleucine.
Molecular consequence: missense variant.
Genome position (GRCh38, 1-based): chr16:2,108,632, C>T on the plus strand (G>A on the coding strand, the complement: PKD1 is on the minus strand). VCF-style: chr16-2108632-C-T. GRCh37 (hg19) VCF-style: chr16-2158633-C-T.
Other names: c.6535G>A, p.Val2179Ile (NM_000296.4); short protein forms V2179I.
Identifiers: ClinVar variation 3579358 (VCV003579358.3).

ClinVar aggregate classification (germline): Conflicting classifications of pathogenicity. Review status: criteria provided, conflicting classifications (1 of 4 stars). 3 submissions from 3 submitters: Uncertain significance (2); Likely benign (1). Last evaluated 2025-12-15.

Conditions:
Polycystic kidney disease, adult type (PKD1). Also called: Polycystic Kidney Disease 1, Autosomal Dominant; Polycystic kidney disease 1; Polycystic kidney disease 1, severe; Polycystic Kidney, Autosomal Dominant; POLYCYSTIC KIDNEY DISEASE, ADULT, TYPE I; POLYCYSTIC KIDNEY DISEASE 1 WITH OR WITHOUT POLYCYSTIC LIVER DISEASE. Identifiers: MedGen C3149841, MONDO:0008263, OMIM 173900.
PKD1-related disorder. Also called: PKD1-related condition.

gnomAD v4.1: 61 of 1,559,912 alleles (0.0039%); highest among the groups gnomAD compares: Middle Eastern, 0.023%; no homozygotes.

Submissions (3):

PreventionGenetics, part of Exact Sciences
Classification: Uncertain significance for PKD1-related condition. Last evaluated: 2025-12-15. Review status: criteria provided, single submitter. Criteria: ACMG Guidelines, 2015. Collection method: clinical testing. Allele origin: germline.
Comment: The PKD1 c.6535G>A variant is predicted to result in the amino acid substitution p.Val2179Ile. This variant, along with variants in other genes, has been reported with uncertain significance in an individual with end stage renal disease (Kazan et al. 2025. PubMed ID: 40718208). This variant is reported in 0.0072% of alleles in individuals of European (Non-Finnish) descent in gnomAD. At this time, the clinical significance of this variant is uncertain due to the absence of conclusive functional and genetic evidence.

Fulgent Genetics
Classification: Likely benign for Polycystic kidney disease, adult type. Last evaluated: 2024-06-14. Review status: criteria provided, single submitter. Criteria: ACMG Guidelines, 2015. Collection method: clinical testing. Allele origin: germline.

Department of Pathology and Laboratory Medicine, Sinai Health System
Classification: Uncertain significance for Polycystic kidney disease, adult type. Last evaluated: 2022-03-22. Review status: criteria provided, single submitter. Criteria: ACMG Guidelines, 2015. Collection method: clinical testing. Allele origin: germline. Affected: yes.